The following is an entry in ClinVar:

ClinVar aggregate classification (germline): Pathogenic (1 of 4 stars; one submission).

Conditions:
Hereditary cancer-predisposing syndrome. Also called: Tumor predisposition; Hereditary Cancer Syndrome; Neoplastic Syndromes, Hereditary; Hereditary neoplastic syndrome. Identifiers: Orphanet 140162, MedGen C0027672, MeSH D009386, MONDO:0015356.

Submission:

Ambry Genetics
Classification: Pathogenic for Hereditary cancer-predisposing syndrome. Last evaluated: 2018-11-16. Review status: criteria provided, single submitter. Criteria: Ambry Variant Classification Scheme 2023. Collection method: clinical testing. Allele origin: germline.
Comment: The c.2585dupA pathogenic mutation, located in coding exon 16 of the PTCH1 gene, results from a duplication of A at nucleotide position 2585, causing a translational frameshift with a predicted alternate stop codon (p.D862Efs*34). This alteration is expected to result in loss of function by premature protein truncation or nonsense-mediated mRNA decay. As such, this alteration is interpreted as a disease-causing mutation.

NM_000264.5(PTCH1):c.2585dup (p.Asp862fs)

Gene: PTCH1 (patched 1; minus strand). Cytogenetic location: 9q22.32.
Variant type: Duplication.
Coding change: c.2585dup on transcript NM_000264.5 (MANE Select); coding-DNA position 2585, one base duplicated (A; older notation c.2585dupA).
Protein change: p.Asp862fs; shifts the reading frame from aspartic acid 862.
Molecular consequence: frameshift variant. On other transcripts: non-coding transcript variant (1).
Genome position (GRCh38, 1-based): chr9:95,461,974, T duplicated on the plus strand (A on the coding strand, the reverse complement: PTCH1 is on the minus strand). VCF-style (leftmost placement, unchanged base first): chr9-95461973-G-GT. GRCh37 (hg19) VCF-style: chr9-98224255-G-GT.
Other names: c.2387dup, p.Asp796fs (NM_001083602.3); c.2582dup, p.Asp861fs (NM_001083603.3); c.2132dup, p.Asp711fs (NM_001083604.3, NM_001083605.3, NM_001083606.3 and 1 more transcripts); c.2429dup, p.Asp810fs (NM_001354918.2); c.2585dupA (NM_000264.3); short protein forms D711fs, D796fs, D861fs, D862fs, D810fs.
Identifiers: ClinVar variation 1793423 (VCV001793423.2), dbSNP rs2538095587, ClinGen allele CA2580080802.